The following is an entry in ClinVar:

ClinVar aggregate classification (germline): Likely benign. Review status: criteria provided, multiple submitters, no conflicts (2 of 4 stars). 3 submissions from 3 submitters: Likely benign (2). 1 of the submissions does not count toward it. Last evaluated 2025-12-01.

Conditions:
TUB-related disorder. Also called: TUB-related condition.

Allele frequency attached by ClinVar (database versions not stated): ExAC 0.00007; gnomAD 0.00013; ESP Exome Variant Server 0.00015; 1000 Genomes Project 30x 0.00016; 1000 Genomes Project 0.00020; TOPMed 0.00062.
gnomAD v4.1: 177 of 1,613,530 alleles (0.011%); highest among the groups gnomAD compares: Non-Finnish European, 0.011%; 1 homozygote.

Submissions (3):

Labcorp Genetics (formerly Invitae), Labcorp
Classification: Likely benign. Last evaluated: 2025-12-01. Review status: criteria provided, single submitter. Criteria: Invitae Variant Classification Sherloc (09022015). Collection method: clinical testing. Allele origin: germline.

Blueprint Genetics
Classification: Likely benign. Last evaluated: 2024-08-28. Review status: criteria provided, single submitter. Criteria: ACMG Guidelines, 2015. Collection method: clinical testing. Allele origin: germline.

PreventionGenetics, part of Exact Sciences
Classification: Likely benign for TUB-related condition. Last evaluated: 2022-01-14. Review status: no assertion criteria provided. Collection method: clinical testing. Allele origin: germline. Not counted in ClinVar's aggregate classification.
Comment: This variant is classified as likely benign based on ACMG/AMP sequence variant interpretation guidelines (Richards et al. 2015 PMID: 25741868, with internal and published modifications).

NM_177972.3(TUB):c.1216-7C>G

Genes: RIC3 (RIC3 acetylcholine receptor chaperone; minus strand), TUB (TUB bipartite transcription factor; plus strand). Cytogenetic location: 11p15.4.
Variant type: single nucleotide variant.
Coding change: c.1216-7C>G on transcript NM_177972.3 (MANE Select); 7 bases into the intron before coding-DNA position 1216, C replaced by G.
Molecular consequence: intron variant.
Genome position (GRCh38, 1-based): chr11:8,100,819, C>G. VCF-style: chr11-8100819-C-G. GRCh37 (hg19) VCF-style: chr11-8122366-C-G.
Other names: c.1381-7C>G (NM_003320.5).
Identifiers: ClinVar variation 715959 (VCV000715959.12), dbSNP rs146732423, ClinGen allele CA5871443.